The following is an entry in ClinVar:

NM_000535.7(PMS2):c.2575A>G (p.Ile859Val)

Gene: PMS2 (PMS1 homolog 2, mismatch repair system component; minus strand). Cytogenetic location: 7p22.1.
Variant type: single nucleotide variant.
Coding change: c.2575A>G on transcript NM_000535.7 (MANE Select); coding-DNA position 2575, A replaced by G.
Protein change: p.Ile859Val; replaces isoleucine 859 with valine.
Molecular consequence: missense variant. On other transcripts: non-coding transcript variant (1).
Genome position (GRCh38, 1-based): chr7:5,973,413, T>C on the plus strand (A>G on the coding strand, the complement: PMS2 is on the minus strand). VCF-style: chr7-5973413-T-C. GRCh37 (hg19) VCF-style: chr7-6013044-T-C.
Other names: c.2170A>G, p.Ile724Val (NM_001322003.2, NM_001322004.2, NM_001322005.2); c.2419A>G, p.Ile807Val (NM_001322006.2); c.2257A>G, p.Ile753Val (NM_001322007.2, NM_001322008.2); c.2203A>G, p.Ile735Val (NM_001322009.2); c.2014A>G, p.Ile672Val (NM_001322010.2); c.1642A>G, p.Ile548Val (NM_001322011.2, NM_001322012.2); c.2002A>G, p.Ile668Val (NM_001322013.2); c.2608A>G, p.Ile870Val (NM_001322014.2); and 1 more; short protein forms I859V, I668V, I756V, I807V, I870V, I735V, I753V, I548V.
Identifiers: ClinVar variation 127787 (VCV000127787.5), dbSNP rs587780058, ClinGen allele CA011735.

ClinVar aggregate classification (germline): Uncertain significance. Review status: criteria provided, multiple submitters, no conflicts (2 of 4 stars). 3 submissions from 3 submitters: Uncertain significance (3). Last evaluated 2025-04-14.

Conditions:
Hereditary cancer-predisposing syndrome. Also called: Hereditary neoplastic syndrome; Neoplastic Syndromes, Hereditary; Hereditary Cancer Syndrome; Tumor predisposition. Identifiers: Orphanet 140162, MedGen C0027672, MeSH D009386, MONDO:0015356.

Submissions (3):

Color Diagnostics, LLC DBA Color Health
Classification: Uncertain significance for Hereditary cancer-predisposing syndrome. Last evaluated: 2025-04-14. Review status: criteria provided, single submitter. Criteria: ACMG Guidelines, 2015. Collection method: clinical testing. Allele origin: germline.
Comment: This missense variant replaces isoleucine with valine at codon 859 of the PMS2 protein. Computational prediction suggests that this variant may not impact protein structure and function. To our knowledge, functional studies have not been reported for this variant. This variant has not been reported in individuals affected with PMS2-related disorders in the literature. This variant has not been identified in the general population by the Genome Aggregation Database (gnomAD). The available evidence is insufficient to determine the role of this variant in disease conclusively. Therefore, this variant is classified as a Variant of Uncertain Significance.

Ambry Genetics
Classification: Uncertain significance for Hereditary cancer-predisposing syndrome. Last evaluated: 2022-02-13. Review status: criteria provided, single submitter. Criteria: Ambry Variant Classification Scheme 2023. Collection method: clinical testing. Allele origin: germline.
Comment: The p.I859V variant (also known as c.2575A>G), located in coding exon 15 of the PMS2 gene, results from an A to G substitution at nucleotide position 2575. The isoleucine at codon 859 is replaced by valine, an amino acid with highly similar properties. This amino acid position is conserved. In addition, this alteration is predicted to be tolerated by in silico analysis. Since supporting evidence is limited at this time, the clinical significance of this alteration remains unclear.

GeneDx
Classification: Uncertain significance. Last evaluated: 2013-12-19. Review status: criteria provided, single submitter. Criteria: GeneDx Variant Classification (06012015). Collection method: clinical testing. Allele origin: germline. Affected: yes.
Comment: Conservative substitution of one neutral non-polar amino acid for another at a position that is well conserved throughout evolution and is not located in a known functional domain; In silico analyses are inconsistent with regard to the effect this variant may have on protein structure and function; The variant is found in COLYNCH-HEREDIC panel(s).